The following is an entry in ClinVar:

NM_001195263.2(PDZD7):c.2148del (p.Leu717fs)

Gene: PDZD7 (PDZ domain containing 7; minus strand). Cytogenetic location: 10q24.31.
Variant type: Deletion.
Coding change: c.2148del on transcript NM_001195263.2 (MANE Select); coding-DNA position 2148, one base deleted (T; older notation c.2148delT).
Protein change: p.Leu717fs; shifts the reading frame from leucine 717.
Molecular consequence: frameshift variant.
Genome position (GRCh38, 1-based): chr10:101,010,741, A deleted on the plus strand (T on the coding strand, the reverse complement: PDZD7 is on the minus strand). VCF-style (leftmost placement, unchanged base first): chr10-101010740-GA-G. GRCh37 (hg19) VCF-style: chr10-102770497-GA-G.
Other names: c.2148delT (NM_001195263.1); short protein forms L717fs.
Identifiers: ClinVar variation 1396883 (VCV001396883.8), dbSNP rs1177622557, ClinGen allele CA595494277.

ClinVar aggregate classification (germline): Pathogenic/Likely pathogenic. Review status: criteria provided, multiple submitters, no conflicts (2 of 4 stars). 3 submissions from 3 submitters: Pathogenic (1); Likely pathogenic (2). Last evaluated 2026-06-30.

Conditions:
PDZD7-related disorder. Also called: PDZD7-related condition; PDZD7-related disorders.

Allele frequency attached by ClinVar (database versions not stated): gnomAD 0.00001; TOPMed 0.00002; gnomAD exomes 0.00003 and 0.00007.

Submissions (3):

PreventionGenetics, part of Exact Sciences
Classification: Likely pathogenic for PDZD7-related condition. Last evaluated: 2026-06-30. Review status: criteria provided, single submitter. Criteria: ACMG Guidelines, 2015. Collection method: clinical testing. Allele origin: germline.
Comment: The PDZD7 c.2148delT variant is predicted to result in a frameshift and premature protein termination (p.Leu717Tyrfs*6). To our knowledge, this variant has not been reported in the literature. This variant is reported in 0.0082% of alleles in individuals of European (Non-Finnish) descent in gnomAD. Frameshift variants in PDZD7 are expected to be pathogenic. This variant is interpreted as pathogenic.

Labcorp Genetics (formerly Invitae), Labcorp
Classification: Pathogenic. Last evaluated: 2025-05-19. Review status: criteria provided, single submitter. Criteria: Invitae Variant Classification Sherloc (09022015). Collection method: clinical testing. Allele origin: germline.
Comment: This sequence change creates a premature translational stop signal (p.Leu717Tyrfs*6) in the PDZD7 gene. It is expected to result in an absent or disrupted protein product. Loss-of-function variants in PDZD7 are known to be pathogenic (PMID: 20440071). This variant is present in population databases (no rsID available, gnomAD 0.009%). This variant has not been reported in the literature in individuals affected with PDZD7-related conditions. ClinVar contains an entry for this variant (Variation ID: 1396883). For these reasons, this variant has been classified as Pathogenic.

Blueprint Genetics
Classification: Likely pathogenic for PDZD7-related disorders. Last evaluated: 2023-05-17. Review status: criteria provided, single submitter. Criteria: ACMG Guidelines, 2015. Collection method: clinical testing. Allele origin: germline. Affected: yes. Observed: 2 variant alleles.

Literature cited by the submitters: PubMed 20440071 (cited by Labcorp Genetics (formerly Invitae), Labcorp).